The following is an entry in ClinVar:

ClinVar aggregate classification (germline): Likely benign (0 of 4 stars; one submission).

Conditions:
IPO8-related disorder. Also called: IPO8-related condition.

Allele frequency attached by ClinVar (database versions not stated): gnomAD 0.00002; TOPMed 0.00003; gnomAD exomes 0.00005; ExAC 0.00011.
gnomAD v4.1: 77 of 1,613,866 alleles (0.0048%); highest among the groups gnomAD compares: Non-Finnish European, 0.0055%; no homozygotes.

Submission:

PreventionGenetics, part of Exact Sciences
Classification: Likely benign for IPO8-related condition. Last evaluated: 2023-06-29. Review status: no assertion criteria provided. Collection method: clinical testing. Allele origin: germline.
Comment: This variant is classified as likely benign based on ACMG/AMP sequence variant interpretation guidelines (Richards et al. 2015 PMID: 25741868, with internal and published modifications).

NM_006390.4(IPO8):c.2823G>A (p.Ala941=)

Gene: IPO8 (importin 8; minus strand). Cytogenetic location: 12p11.21.
Variant type: single nucleotide variant.
Coding change: c.2823G>A on transcript NM_006390.4 (MANE Select); coding-DNA position 2823, G replaced by A.
Protein change: p.Ala941=; no amino-acid change (alanine 941 retained).
Molecular consequence: synonymous variant.
Genome position (GRCh38, 1-based): chr12:30,634,159, C>T on the plus strand (G>A on the coding strand, the complement: IPO8 is on the minus strand). VCF-style: chr12-30634159-C-T. GRCh37 (hg19) VCF-style: chr12-30787093-C-T.
Other names: c.2208G>A, p.Ala736= (NM_001190995.2).
Identifiers: ClinVar variation 3054391 (VCV003054391.2), dbSNP rs756381329, ClinGen allele CA6498558.